The following is an entry in ClinVar:

ClinVar aggregate classification (germline): Conflicting classifications of pathogenicity. Review status: criteria provided, conflicting classifications (1 of 4 stars). 5 submissions from 5 submitters: Uncertain significance (2); Likely benign (3). Last evaluated 2026-01-28.

Conditions:
Muscular dystrophy-dystroglycanopathy (congenital with brain and eye anomalies), type A1 (MDDGA1). Also called: COD-MD SYNDROME; Muscular dystrophy-dystroglycanopathy (congenital with brain and eye anomalies), type A, 1; WALKER-WARBURG SYNDROME OR MUSCLE-EYE-BRAIN DISEASE, POMT1-RELATED; Hydrocephalus, agyria and retinal dysplasia; Hard +/- E syndrome; Warburg syndrome. Identifiers: Orphanet 588, Orphanet 899, MedGen C4284790, MONDO:0009364, OMIM 236670.
Autosomal recessive limb-girdle muscular dystrophy type 2K. Also called: MUSCULAR DYSTROPHY-DYSTROGLYCANOPATHY (LIMB-GIRDLE), TYPE C, 1; MUSCULAR DYSTROPHY, LIMB-GIRDLE, TYPE 2K. Identifiers: Orphanet 86812, MedGen C1836373, MONDO:0012248, OMIM 609308.
Muscular dystrophy-dystroglycanopathy (congenital with impaired intellectual development), type B, 1. Also called: Muscular dystrophy-dystroglycanopathy (congenital with intellectual disability), type B1; MUSCULAR DYSTROPHY, CONGENITAL, POMT1-RELATED. Identifiers: MedGen C5436962, MONDO:0013159, OMIM 613155.
Walker-Warburg congenital muscular dystrophy. Also called: Muscular dystrophy-dystroglycanopathy, type A; Walker-Warburg syndrome. Identifiers: Orphanet 899, MedGen C0265221, MONDO:0000171.

Allele frequency attached by ClinVar (database versions not stated): 1000 Genomes Project 0.00060; 1000 Genomes Project 30x 0.00094; gnomAD 0.00118; TOPMed 0.00130; ESP Exome Variant Server 0.00115.

Submissions (5):

Labcorp Genetics (formerly Invitae), Labcorp
Classification: Likely benign for Muscular dystrophy-dystroglycanopathy (congenital with impaired intellectual development), type B, 1; Walker-Warburg congenital muscular dystrophy; Autosomal recessive limb-girdle muscular dystrophy type 2K. Last evaluated: 2026-01-28. Review status: criteria provided, single submitter. Criteria: Invitae Variant Classification Sherloc (09022015). Collection method: clinical testing. Allele origin: germline.

Blueprint Genetics
Classification: Likely benign. Last evaluated: 2024-11-19. Review status: criteria provided, single submitter. Criteria: ACMG Guidelines, 2015. Collection method: clinical testing. Allele origin: germline.

Baylor Genetics
Classification: Uncertain significance for Muscular dystrophy-dystroglycanopathy (congenital with brain and eye anomalies), type A1. Last evaluated: 2018-04-05. Review status: criteria provided, single submitter. Criteria: ACMG Guidelines, 2015. Collection method: clinical testing. Allele origin: maternal. Affected: yes.
Comment: This variant was determined to be of uncertain significance according to ACMG Guidelines, 2015 [PMID:25741868].

GeneDx
Classification: Likely benign. Last evaluated: 2018-01-26. Review status: criteria provided, single submitter. Criteria: GeneDx Variant Classification (06012015). Collection method: clinical testing. Allele origin: germline. Affected: yes.
Comment: This variant is considered likely benign or benign based on one or more of the following criteria: it is a conservative change, it occurs at a poorly conserved position in the protein, it is predicted to be benign by multiple in silico algorithms, and/or has population frequency not consistent with disease.

Illumina Laboratory Services, Illumina
Classification: Uncertain significance for Autosomal recessive limb-girdle muscular dystrophy type 2K. Last evaluated: 2018-01-13. Review status: criteria provided, single submitter. Criteria: ICSL Variant Classification Criteria 13 December 2019. Collection method: clinical testing. Allele origin: germline.

NM_001077365.2(POMT1):c.1486+14G>A

Gene: POMT1 (protein O-mannosyltransferase 1; plus strand). Cytogenetic location: 9q34.13.
Variant type: single nucleotide variant.
Coding change: c.1486+14G>A on transcript NM_001077365.2 (MANE Select); 14 bases into the intron after coding-DNA position 1486, G replaced by A.
Molecular consequence: intron variant.
Genome position (GRCh38, 1-based): chr9:131,518,971, G>A. VCF-style: chr9-131518971-G-A. GRCh37 (hg19) VCF-style: chr9-134394358-G-A.
Other names: c.1390+14G>A (NM_001353198.2, NM_001353197.2); c.1552+14G>A (NM_001353193.2, NM_007171.4); c.1486+14G>A (NM_001136113.2); c.1324+14G>A (NM_001353194.2, NM_001077366.2); c.1135+14G>A (NM_001374691.1, NM_001353195.2, NM_001374692.1 and 2 more transcripts); c.1365+434G>A (NM_001374690.1); c.1396+14G>A (NM_001353196.2); c.1096+14G>A (NM_001374695.1); and 3 more.
Identifiers: ClinVar variation 365280 (VCV000365280.14), dbSNP rs142995404, ClinGen allele CA5293718.